The following is an entry in ClinVar:

ClinVar aggregate classification (germline): Uncertain significance. Review status: criteria provided, multiple submitters, no conflicts (2 of 4 stars). 2 submissions from 2 submitters: Uncertain significance (2). Last evaluated 2025-05-15.

Conditions:
Pulmonary fibrosis and/or bone marrow failure, Telomere-related, 3. Also called: PULMONARY FIBROSIS AND/OR BONE MARROW FAILURE SYNDROME, TELOMERE-RELATED, 3. Identifiers: Orphanet 2032, MedGen C4225346, MONDO:0014613, OMIM 616373.
Dyskeratosis congenita, autosomal recessive 5 (DKCB5). Identifiers: MedGen C3554656, MONDO:0014076, OMIM 615190.
Inborn genetic diseases. Identifiers: MedGen C0950123, MeSH D030342.

gnomAD v4.1: 1 of 1,613,926 alleles (0.000062%); highest among the groups gnomAD compares: Non-Finnish European, 0.000085%; no homozygotes.

Submissions (2):

Ambry Genetics
Classification: Uncertain significance for Inborn genetic diseases. Last evaluated: 2025-05-15. Review status: criteria provided, single submitter. Criteria: Ambry Variant Classification Scheme 2023. Collection method: clinical testing. Allele origin: germline.
Comment: The p.E125K variant (also known as c.373G>A), located in coding exon 3 of the RTEL1 gene, results from a G to A substitution at nucleotide position 373. The glutamic acid at codon 125 is replaced by lysine, an amino acid with similar properties. This amino acid position is conserved. In addition, this alteration is predicted to be deleterious by in silico analysis. Based on the available evidence, the clinical significance of this variant remains unclear.

Labcorp Genetics (formerly Invitae), Labcorp
Classification: Uncertain significance for Dyskeratosis congenita, autosomal recessive 5; Pulmonary fibrosis and/or bone marrow failure, Telomere-related, 3. Last evaluated: 2024-10-30. Review status: criteria provided, single submitter. Criteria: Invitae Variant Classification Sherloc (09022015). Collection method: clinical testing. Allele origin: germline.
Comment: This sequence change replaces glutamic acid, which is acidic and polar, with lysine, which is basic and polar, at codon 125 of the RTEL1 protein (p.Glu125Lys). This variant is not present in population databases (gnomAD no frequency). This variant has not been reported in the literature in individuals affected with RTEL1-related conditions. An algorithm developed to predict the effect of missense changes on protein structure and function (PolyPhen-2) suggests that this variant is likely to be disruptive. In summary, the available evidence is currently insufficient to determine the role of this variant in disease. Therefore, it has been classified as a Variant of Uncertain Significance.

NM_001283009.2(RTEL1):c.373G>A (p.Glu125Lys)

Genes: RTEL1 (regulator of telomere elongation helicase 1; plus strand), RTEL1-TNFRSF6B (RTEL1-TNFRSF6B readthrough (NMD candidate); plus strand). Cytogenetic location: 20q13.33.
Variant type: single nucleotide variant.
Coding change: c.373G>A on transcript NM_001283009.2 (MANE Select); coding-DNA position 373, G replaced by A.
Protein change: p.Glu125Lys; replaces glutamic acid 125 with lysine.
Molecular consequence: missense variant. On other transcripts: 5 prime UTR variant (1), non-coding transcript variant (1).
Genome position (GRCh38, 1-based): chr20:63,661,921, G>A. VCF-style: chr20-63661921-G-A. GRCh37 (hg19) VCF-style: chr20-62293274-G-A.
Other names: c.-297G>A (NM_001283010.1); c.373G>A, p.Glu125Lys (NM_016434.4, NM_032957.5); short protein forms E125K.
Identifiers: ClinVar variation 3749149 (VCV003749149.3).